The following is an entry in ClinVar:

NM_006363.6(SEC23B):c.64A>G (p.Asn22Asp)

Gene: SEC23B (SEC23 homolog B, COPII component; plus strand). Cytogenetic location: 20p11.23.
Variant type: single nucleotide variant.
Coding change: c.64A>G on transcript NM_006363.6 (MANE Select); coding-DNA position 64, A replaced by G.
Protein change: p.Asn22Asp; replaces asparagine 22 with aspartic acid.
Molecular consequence: missense variant.
Genome position (GRCh38, 1-based): chr20:18,510,899, A>G. VCF-style: chr20-18510899-A-G. GRCh37 (hg19) VCF-style: chr20-18491543-A-G.
Other names: c.64A>G, p.Asn22Asp (NM_001172745.3, NM_001172746.3, NM_032985.6 and 1 more transcripts); short protein forms N22D.
Identifiers: ClinVar variation 1701419 (VCV001701419.31), dbSNP rs2148884484, ClinGen allele CA408355399.

ClinVar aggregate classification (germline): Uncertain significance (1 of 4 stars; one submission).

Submission:

CeGaT Center for Human Genetics Tuebingen
Classification: Uncertain significance. Last evaluated: 2022-07-01. Review status: criteria provided, single submitter. Criteria: CeGaT Center For Human Genetics Tuebingen Variant Classification Criteria Version 2. Collection method: clinical testing. Allele origin: germline. Affected: yes. Observed: 1 variant allele.
Comment: SEC23B: PM2, PM3, PP3